The following is an entry in ClinVar:

ClinVar aggregate classification (germline): Likely benign (1 of 4 stars; one submission).

Conditions:
IFT140-related disorder. Also called: IFT140-related condition.

gnomAD v4.1: 9 of 152,270 alleles (0.0059%); highest among the groups gnomAD compares: Middle Eastern, 0.34%; no homozygotes.

Submission:

PreventionGenetics, part of Exact Sciences
Classification: Likely benign for IFT140-related condition. Last evaluated: 2026-07-14. Review status: criteria provided, single submitter. Criteria: ACMG Guidelines, 2015. Collection method: clinical testing. Allele origin: germline.
Comment: This variant is classified as likely benign based on ACMG/AMP sequence variant interpretation guidelines (Richards et al. 2015 PMID: 25741868, with internal and published modifications).

NM_014714.4(IFT140):c.4182+2592A>G

Gene: IFT140 (intraflagellar transport 140; minus strand). Cytogenetic location: 16p13.3.
Variant type: single nucleotide variant.
Coding change: c.4182+2592A>G on transcript NM_014714.4 (MANE Select); 2592 bases into the intron after coding-DNA position 4182, A replaced by G.
Molecular consequence: intron variant.
Genome position (GRCh38, 1-based): chr16:1,515,624, T>C on the plus strand (A>G on the coding strand, the complement: IFT140 is on the minus strand). VCF-style: chr16-1515624-T-C. GRCh37 (hg19) VCF-style: chr16-1565625-T-C.
Identifiers: ClinVar variation 4984940 (VCV004984940.1).